The following is an entry in ClinVar:

NM_001385012.1(NBEA):c.2116A>T (p.Ile706Leu)

Gene: NBEA (neurobeachin; plus strand). Cytogenetic location: 13q13.3.
Variant type: single nucleotide variant.
Coding change: c.2116A>T on transcript NM_001385012.1 (MANE Select); coding-DNA position 2116, A replaced by T.
Protein change: p.Ile706Leu; replaces isoleucine 706 with leucine.
Molecular consequence: missense variant.
Genome position (GRCh38, 1-based): chr13:35,118,261, A>T. VCF-style: chr13-35118261-A-T. GRCh37 (hg19) VCF-style: chr13-35692398-A-T.
Other names: c.2116A>T, p.Ile706Leu (NM_001379245.1, NM_015678.5); short protein forms I706L.
Identifiers: ClinVar variation 3373232 (VCV003373232.1).
Genomic context (GRCh38, chr13:35,118,261, plus strand): 5'-AGTAATAAAATATTTTTTAAAAATTAGGATCGAGGGGTCAAGGAAGATGAACTTCAGAGT[A>T]TATTAAATTACCTACTTACGATGCATGAGGTAGGACATGTTATGGGCCTTTTATTTTAAT-3'
Protein context (NP_001371941.1, residues 696-716): RGVKEDELQS[Ile706Leu]LNYLLTMHED

ClinVar aggregate classification (germline): Uncertain significance (1 of 4 stars; one submission).

Submission:

GeneDx
Classification: Uncertain significance. Last evaluated: 2024-04-30. Review status: criteria provided, single submitter. Criteria: GeneDx Variant Classification Process June 2021. Collection method: clinical testing. Allele origin: germline. Affected: yes.
Comment: Not observed at significant frequency in large population cohorts (gnomAD); In silico analysis indicates that this missense variant does not alter protein structure/function; Has not been previously published as pathogenic or benign to our knowledge